The following is an entry in ClinVar:

NM_001378024.1(ARHGAP32):c.2175A>G (p.Thr725=)

Gene: ARHGAP32 (Rho GTPase activating protein 32; minus strand). Cytogenetic location: 11q24.3.
Variant type: single nucleotide variant.
Coding change: c.2175A>G on transcript NM_001378024.1 (MANE Select); coding-DNA position 2175, A replaced by G.
Protein change: p.Thr725=; no amino-acid change (threonine 725 retained).
Molecular consequence: synonymous variant.
Genome position (GRCh38, 1-based): chr11:128,976,582, T>C on the plus strand (A>G on the coding strand, the complement: ARHGAP32 is on the minus strand). VCF-style: chr11-128976582-T-C. GRCh37 (hg19) VCF-style: chr11-128846477-T-C.
Other names: c.2133A>G, p.Thr711= (NM_001142685.2); c.2013A>G, p.Thr671= (NM_001378025.1); c.1086A>G, p.Thr362= (NM_014715.4).
Identifiers: ClinVar variation 782127 (VCV000782127.30), dbSNP rs61753088, ClinGen allele CA6359011.
Genomic context (GRCh38, chr11:128,976,582, plus strand): 5'-AATATATTATAGAATAAAATGACTGATGCTTTTAGTCTTACCATCAACTGCATGGAGAGA[T>C]GTAAGAGACTCCTCACTTTTAGCTGAACGGAGGGTTCCTTCTGCCCTGCCACCTGAAGAA-3'
Protein context (NP_001364953.1, residues 715-735): LRSAKSEESL[Thr725=]SLHAVDGDSK

ClinVar aggregate classification (germline): Benign/Likely benign. Review status: criteria provided, multiple submitters, no conflicts (2 of 4 stars). 4 submissions from 4 submitters: Benign (2); Likely benign (1). 1 of the submissions does not count toward it. Last evaluated 2023-02-01.

Conditions:
ARHGAP32-related disorder. Also called: ARHGAP32-related condition.

Allele frequency attached by ClinVar (database versions not stated): 1000 Genomes Project 0.00220; 1000 Genomes Project 30x 0.00234; TOPMed 0.00360; ExAC 0.00415; gnomAD exomes 0.00443 and 0.00622; gnomAD 0.00452 and 0.00465; ESP Exome Variant Server 0.00539.
gnomAD v4.1: 9,698 of 1,613,914 alleles (0.6%); highest among the groups gnomAD compares: Non-Finnish European, 0.73%; 40 homozygotes.

Submissions (4):

CeGaT Center for Human Genetics Tuebingen
Classification: Likely benign. Last evaluated: 2023-02-01. Review status: criteria provided, single submitter. Criteria: CeGaT Center For Human Genetics Tuebingen Variant Classification Criteria Version 2. Collection method: clinical testing. Allele origin: germline. Affected: yes. Observed: 1 variant allele.
Comment: ARHGAP32: BP4, BP7, BS2

Labcorp Genetics (formerly Invitae), Labcorp
Classification: Benign. Last evaluated: 2019-12-31. Review status: criteria provided, single submitter. Criteria: Invitae Variant Classification Sherloc (09022015). Collection method: clinical testing. Allele origin: germline.

Breakthrough Genomics
Classification: Benign. Review status: criteria provided, single submitter. Criteria: ACMG Guidelines, 2015. Collection method: not provided. Allele origin: germline. Inheritance: Unknown mechanism. Affected: yes.

PreventionGenetics, part of Exact Sciences
Classification: Likely benign for ARHGAP32-related condition. Last evaluated: 2019-03-25. Review status: no assertion criteria provided. Collection method: clinical testing. Allele origin: germline. Not counted in ClinVar's aggregate classification.
Comment: This variant is classified as likely benign based on ACMG/AMP sequence variant interpretation guidelines (Richards et al. 2015 PMID: 25741868, with internal and published modifications).